The following is an entry in ClinVar:

NM_022552.5(DNMT3A):c.2259G>A (p.Trp753Ter)

Gene: DNMT3A (DNA methyltransferase 3 alpha; minus strand). Cytogenetic location: 2p23.3.
Variant type: single nucleotide variant.
Coding change: c.2259G>A on transcript NM_022552.5 (MANE Select); coding-DNA position 2259, G replaced by A.
Protein change: p.Trp753Ter; replaces tryptophan 753 with a stop codon.
Molecular consequence: nonsense. On other transcripts: non-coding transcript variant (1).
Genome position (GRCh38, 1-based): chr2:25,240,365, C>T on the plus strand (G>A on the coding strand, the complement: DNMT3A is on the minus strand). VCF-style: chr2-25240365-C-T. GRCh37 (hg19) VCF-style: chr2-25463234-C-T.
Other names: c.1803G>A, p.Trp601Ter (NM_001320893.1); c.1590G>A, p.Trp530Ter (NM_001375819.1); c.1692G>A, p.Trp564Ter (NM_153759.3); c.2259G>A, p.Trp753Ter (NM_175629.2); short protein forms W753*, W530*, W564*, W601*.
Identifiers: ClinVar variation 2781711 (VCV002781711.4), dbSNP rs770785915, ClinGen allele CA346069907.

ClinVar aggregate classification (germline): Pathogenic/Likely pathogenic. Review status: criteria provided, multiple submitters, no conflicts (2 of 4 stars). 2 submissions from 2 submitters: Pathogenic (1); Likely pathogenic (1). Last evaluated 2024-06-27.

Conditions:
Tatton-Brown-Rahman overgrowth syndrome. Also called: Tall stature-intellectual disability-facial dysmorphism syndrome; Tatton-Brown-Rahman syndrome. Identifiers: Orphanet 404443, MedGen C4014545, MONDO:0014382, OMIM 615879.
DNMT3A-related disorder. Also called: DNMT3A-related condition; DNMT3A-related disorders.

Allele frequency attached by ClinVar (database versions not stated): gnomAD exomes below 0.00001.

Submissions (2):

Blueprint Genetics
Classification: Likely pathogenic for DNMT3A-related disorders. Last evaluated: 2024-06-27. Review status: criteria provided, single submitter. Criteria: ACMG Guidelines, 2015. Collection method: clinical testing. Allele origin: germline. Affected: yes. Observed: 1 variant allele.

Labcorp Genetics (formerly Invitae), Labcorp
Classification: Pathogenic for Tatton-Brown-Rahman overgrowth syndrome. Last evaluated: 2023-10-13. Review status: criteria provided, single submitter. Criteria: Invitae Variant Classification Sherloc (09022015). Collection method: clinical testing. Allele origin: germline.
Comment: This sequence change creates a premature translational stop signal (p.Trp753*) in the DNMT3A gene. It is expected to result in an absent or disrupted protein product. Loss-of-function variants in DNMT3A are known to be pathogenic (PMID: 24614070). This variant is not present in population databases (gnomAD no frequency). This variant has not been reported in the literature in individuals affected with DNMT3A-related conditions. For these reasons, this variant has been classified as Pathogenic.

Literature cited by the submitters: PubMed 24614070 (cited by Labcorp Genetics (formerly Invitae), Labcorp).